The following is an entry in ClinVar:

NM_206933.4(USH2A):c.15439C>T (p.Gln5147Ter)

Gene: USH2A (usherin; minus strand). Cytogenetic location: 1q41.
Variant type: single nucleotide variant.
Coding change: c.15439C>T on transcript NM_206933.4 (MANE Select); coding-DNA position 15439, C replaced by T.
Protein change: p.Gln5147Ter; replaces glutamine 5147 with a stop codon.
Molecular consequence: nonsense.
Genome position (GRCh38, 1-based): chr1:215,628,894, G>A on the plus strand (C>T on the coding strand, the complement: USH2A is on the minus strand). VCF-style: chr1-215628894-G-A. GRCh37 (hg19) VCF-style: chr1-215802236-G-A.
Other names: short protein forms Q5147*.
Identifiers: ClinVar variation 2029221 (VCV002029221.5), dbSNP rs2464752503, ClinGen allele CA344820801.
Genomic context (GRCh38, chr1:215,628,894, plus strand): 5'-TGATGGCTTCCCACAGTGAGTTGTCCATCAAGACTTTCTTGTCTTGAATGTCCATGAGCT[G>A]GCTGACGCTGCGGTGAAGAGAACCCTGGGAGTAGGTTAGGCTGGTTTGGTTTTGACTCGG-3'

ClinVar aggregate classification (germline): Pathogenic/Likely pathogenic. Review status: criteria provided, multiple submitters, no conflicts (2 of 4 stars). 2 submissions from 2 submitters: Pathogenic (1); Likely pathogenic (1). Last evaluated 2025-03-30.

Conditions:
Retinitis pigmentosa 39 (RP39). Identifiers: Orphanet 791, MedGen C3151138, MONDO:0013436, OMIM 613809.
Usher syndrome type 2A. Also called: RETINAL DISEASE IN USHER SYNDROME TYPE IIA, MODIFIER OF; USHER SYNDROME, TYPE IIA. Identifiers: Orphanet 231178, Orphanet 886, MedGen C1848634, MONDO:0010169, OMIM 276901.

Submissions (2):

Labcorp Genetics (formerly Invitae), Labcorp
Classification: Pathogenic. Last evaluated: 2025-03-30. Review status: criteria provided, single submitter. Criteria: Invitae Variant Classification Sherloc (09022015). Collection method: clinical testing. Allele origin: germline.
Comment: This sequence change creates a premature translational stop signal (p.Gln5147*) in the USH2A gene. It is expected to result in an absent or disrupted protein product. Loss-of-function variants in USH2A are known to be pathogenic (PMID: 10729113, 10909849, 20507924, 25649381). This variant is not present in population databases (gnomAD no frequency). This variant has not been reported in the literature in individuals affected with USH2A-related conditions. ClinVar contains an entry for this variant (Variation ID: 2029221). For these reasons, this variant has been classified as Pathogenic.

Fulgent Genetics
Classification: Likely pathogenic for Usher syndrome type 2A; Retinitis pigmentosa 39. Last evaluated: 2024-06-05. Review status: criteria provided, single submitter. Criteria: ACMG Guidelines, 2015. Collection method: clinical testing. Allele origin: germline.

Literature cited by the submitters: PubMed 10729113 (cited by Labcorp Genetics (formerly Invitae), Labcorp); PubMed 10909849 (cited by Labcorp Genetics (formerly Invitae), Labcorp); PubMed 20507924 (cited by Labcorp Genetics (formerly Invitae), Labcorp); PubMed 25649381 (cited by Labcorp Genetics (formerly Invitae), Labcorp).